The following is an entry in ClinVar:

NM_000368.5(TSC1):c.-143-8T>C

Gene: TSC1 (TSC complex subunit 1; minus strand). Cytogenetic location: 9q34.13.
Variant type: single nucleotide variant.
Coding change: c.-143-8T>C on transcript NM_000368.5 (MANE Select); 8 bases into the intron before 143 bases upstream of the start codon, T replaced by C.
Molecular consequence: intron variant.
Genome position (GRCh38, 1-based): chr9:132,935,103, A>G on the plus strand (T>C on the coding strand, the complement: TSC1 is on the minus strand). VCF-style: chr9-132935103-A-G. GRCh37 (hg19) VCF-style: chr9-135810490-A-G.
Other names: c.-402-8T>C (NM_001362177.2); c.-143-8T>C (NM_001162427.2, NM_001162426.2).
Identifiers: ClinVar variation 1692390 (VCV001692390.1), dbSNP rs1389056966, ClinGen allele CA591052446.

ClinVar aggregate classification (germline): Uncertain significance (1 of 4 stars; one submission).

Conditions:
Hereditary cancer-predisposing syndrome. Also called: Hereditary Cancer Syndrome; Hereditary neoplastic syndrome; Neoplastic Syndromes, Hereditary; Tumor predisposition. Identifiers: Orphanet 140162, MedGen C0027672, MeSH D009386, MONDO:0015356.

Allele frequency attached by ClinVar (database versions not stated): gnomAD exomes below 0.00001; TOPMed below 0.00001; gnomAD 0.00001.
gnomAD v4.1: 2 of 398,962 alleles (0.0005%); highest among the groups gnomAD compares: Admixed American, 0.0044%; no homozygotes.

Submission:

Sema4
Classification: Uncertain significance for Hereditary cancer-predisposing syndrome. Last evaluated: 2022-02-21. Review status: criteria provided, single submitter. Criteria: Sema4 Curation Guidelines. Collection method: curation. Allele origin: germline.
Comment: The TSC1 c.-143-8T>C variant has not been reported in the literature to our knowledge. This variant was observed in 1/8716 chromosomes in the African/African American subpopulation according to the Genome Aggregation Database (PMID: 32461654). This variant has not been reported in ClinVar. In silico tools suggest that the variant does not have an impact on splicing, though these predictions have not been confirmed by functional studies. There is no indication that this variant causes disease, but the evidence is insufficient currently to prove that conclusively. Thus, the clinical significance of this variant is currently uncertain.